The following is an entry in ClinVar:

NM_001368882.1(COL13A1):c.462+2T>C

Gene: COL13A1 (collagen type XIII alpha 1 chain; plus strand). Cytogenetic location: 10q22.1.
Variant type: single nucleotide variant.
Coding change: c.462+2T>C on transcript NM_001368882.1 (MANE Select); the canonical splice donor site of the intron after coding-DNA position 462, T replaced by C.
Molecular consequence: splice donor variant. On other transcripts: intron variant (10).
Genome position (GRCh38, 1-based): chr10:69,878,067, T>C. VCF-style: chr10-69878067-T-C. GRCh37 (hg19) VCF-style: chr10-71637823-T-C.
Other names: c.462+2T>C (NM_001320951.2, NM_001368884.1); c.436-2436T>C (NM_001130103.2, NM_080801.4, NM_080802.4 and 1 more transcripts); c.-228+2T>C (NM_001368886.1); c.426+2T>C (NM_001368883.1, NM_001368885.1); c.399+5857T>C (NM_080805.4, NM_001368897.1); c.373-2436T>C (NM_001368895.1); c.373-9389T>C (NM_001368898.1, NM_080798.4, NM_001368896.1).
Identifiers: ClinVar variation 1690748 (VCV001690748.2), dbSNP rs1589245442, ClinGen allele CA1917999471.

ClinVar aggregate classification (germline): Likely pathogenic (1 of 4 stars; one submission).

Submission:

Laboratorio de Genetica e Diagnostico Molecular, Hospital Israelita Albert Einstein
Classification: Likely pathogenic. Last evaluated: 2019-12-16. Review status: criteria provided, single submitter. Criteria: ACMG Guidelines, 2015. Collection method: clinical testing. Allele origin: germline. Affected: yes.
Comment: ACMG classification criteria: PVS1, PM2